The following is an entry in ClinVar:

ClinVar aggregate classification (germline): Pathogenic/Likely pathogenic. Review status: criteria provided, multiple submitters, no conflicts (2 of 4 stars). 4 submissions from 4 submitters: Pathogenic (1); Likely pathogenic (3). Last evaluated 2023-04-03.

Conditions:
COL4A5-related disorders.

Allele frequency attached by ClinVar (database versions not stated): TOPMed below 0.00001.

Submissions (4):

Blueprint Genetics
Classification: Likely pathogenic for COL4A5-related disorders. Last evaluated: 2023-04-03. Review status: criteria provided, single submitter. Criteria: ACMG Guidelines, 2015. Collection method: clinical testing. Allele origin: germline. Affected: yes. Observed: 1 variant allele.

Labcorp Genetics (formerly Invitae), Labcorp
Classification: Pathogenic. Last evaluated: 2022-03-23. Review status: criteria provided, single submitter. Criteria: Invitae Variant Classification Sherloc (09022015). Collection method: clinical testing. Allele origin: germline.
Comment: This sequence change affects a donor splice site in intron 24 of the COL4A5 gene. It is expected to disrupt RNA splicing. Variants that disrupt the donor or acceptor splice site typically lead to a loss of protein function (PMID: 16199547), and loss-of-function variants in COL4A5 are known to be pathogenic (PMID: 9195222, 10752524, 14514738, 24854265, 26809805). This variant is not present in population databases (gnomAD no frequency). Disruption of this splice site has been observed in individuals with Alport syndrome (PMID: 8651296, 22921432). ClinVar contains an entry for this variant (Variation ID: 585538). Algorithms developed to predict the effect of sequence changes on RNA splicing suggest that this variant may disrupt the consensus splice site. For these reasons, this variant has been classified as Pathogenic.

GeneDx
Classification: Likely pathogenic. Last evaluated: 2020-02-04. Review status: criteria provided, single submitter. Criteria: GeneDx Variant Classification Process June 2021. Collection method: clinical testing. Allele origin: germline. Affected: yes.
Comment: Canonical splice site variant predicted to result in in-frame deletion within a critical region. Variant damages or destroys the canonical splice donor site in intron 24, and is expected to cause abnormal gene splicing; if the splice outcome is exon skip, the loss of the encoded residues in the triple helical region is expected to disrupt normal protein folding and function; Not observed in large population cohorts (Lek et al., 2016); This variant is associated with the following publications: (PMID: 22921432)

Athena Diagnostics
Classification: Likely pathogenic. Last evaluated: 2017-09-11. Review status: criteria provided, single submitter. Criteria: Athena Diagnostics Criteria. Collection method: clinical testing. Allele origin: germline.

Literature cited by the submitters: PubMed 16199547 (cited by Labcorp Genetics (formerly Invitae), Labcorp); PubMed 9195222 (cited by Labcorp Genetics (formerly Invitae), Labcorp); PubMed 10752524 (cited by Labcorp Genetics (formerly Invitae), Labcorp); PubMed 14514738 (cited by Labcorp Genetics (formerly Invitae), Labcorp); PubMed 24854265 (cited by Labcorp Genetics (formerly Invitae), Labcorp); PubMed 26809805 (cited by Labcorp Genetics (formerly Invitae), Labcorp); PubMed 8651296 (cited by Labcorp Genetics (formerly Invitae), Labcorp); PubMed 22921432 (cited by Labcorp Genetics (formerly Invitae), Labcorp and Athena Diagnostics).

NM_033380.3(COL4A5):c.1779+1G>A

Gene: COL4A5 (collagen type IV alpha 5 chain; plus strand). Cytogenetic location: Xq22.3.
Variant type: single nucleotide variant.
Coding change: c.1779+1G>A on transcript NM_033380.3 (MANE Select); the canonical splice donor site of the intron after coding-DNA position 1779, G replaced by A.
Molecular consequence: splice donor variant.
Genome position (GRCh38, 1-based): chrX:108,597,569, G>A. VCF-style: chrX-108597569-G-A. GRCh37 (hg19) VCF-style: chrX-107840799-G-A.
Other names: c.1779+1G>A (NM_000495.5).
Identifiers: ClinVar variation 585538 (VCV000585538.15), dbSNP rs104886337, ClinGen allele CA413845589.